The following is an entry in ClinVar:

ClinVar aggregate classification (germline): Uncertain significance (1 of 4 stars; one submission).

Conditions:
Familial cold autoinflammatory syndrome 2 (FCAS2). Identifiers: Orphanet 247868, MedGen C2673198, MONDO:0012724, OMIM 611762.

gnomAD v4.1: 6 of 1,613,956 alleles (0.00037%); highest among the groups gnomAD compares: African/African-American, 0.0027%; no homozygotes.

Submission:

ARUP Laboratories, Molecular Genetics and Genomics, ARUP Laboratories
Classification: Uncertain significance for Familial cold autoinflammatory syndrome 2. Last evaluated: 2024-01-05. Review status: criteria provided, single submitter. Criteria: ARUP Molecular Germline Variant Investigation Process 2024. Collection method: clinical testing. Allele origin: germline.
Comment: The NLRP12 c.542G>A; p.Arg181Gln variant (rs1241323756), to our knowledge, is not reported in the medical literature or gene specific databases. This variant is only observed on two alleles in the Genome Aggregation Database (v2.1.1), indicating it is not a common polymorphism. Computational analyses predict that this variant is neutral (REVEL: 0.105). However, given the lack of clinical and functional data, the significance of this variant is uncertain at this time.

NM_144687.4(NLRP12):c.542G>A (p.Arg181Gln)

Gene: NLRP12 (NLR family pyrin domain containing 12; minus strand). Cytogenetic location: 19q13.42.
Variant type: single nucleotide variant.
Coding change: c.542G>A on transcript NM_144687.4 (MANE Select); coding-DNA position 542, G replaced by A.
Protein change: p.Arg181Gln; replaces arginine 181 with glutamine.
Molecular consequence: missense variant.
Genome position (GRCh38, 1-based): chr19:53,811,117, C>T on the plus strand (G>A on the coding strand, the complement: NLRP12 is on the minus strand). VCF-style: chr19-53811117-C-T. GRCh37 (hg19) VCF-style: chr19-54314371-C-T.
Other names: c.542G>A, p.Arg181Gln (NM_001277126.2, NM_001277129.1); short protein forms R181Q.
Identifiers: ClinVar variation 3766923 (VCV003766923.1).
Genomic context (GRCh38, chr19:53,811,117, plus strand): 5'-TCAAAGAGGGTCTCTATCTTGATGGGGCTAGCCTGGTGTCCCACGGTCCTCGCGTGTCCC[C>T]GGCCTGTGTCCAGAAGCTGCTGCTGGACCTGCATGGGGTTTGAGTGCTCCTTCACCAGCA-3'
Protein context (NP_653288.1, residues 171-191): QVQQQLLDTG[Arg181Gln]GHARTVGHQA